The following is an entry in ClinVar:

NM_004279.3(PMPCB):c.524G>A (p.Arg175His)

Gene: PMPCB (peptidase, mitochondrial processing subunit beta; plus strand). Cytogenetic location: 7q22.1.
Variant type: single nucleotide variant.
Coding change: c.524G>A on transcript NM_004279.3 (MANE Select); coding-DNA position 524, G replaced by A.
Protein change: p.Arg175His; replaces arginine 175 with histidine.
Molecular consequence: missense variant.
Genome position (GRCh38, 1-based): chr7:103,303,908, G>A. VCF-style: chr7-103303908-G-A. GRCh37 (hg19) VCF-style: chr7-102944355-G-A.
Other names: short protein forms R175H.
Identifiers: ClinVar variation 523140 (VCV000523140.6), dbSNP rs200188353, ClinGen allele CA4417987.

ClinVar aggregate classification (germline): Pathogenic. Review status: criteria provided, single submitter (1 of 4 stars). 3 submissions from 3 submitters: Pathogenic (1). 2 of the submissions do not count toward it. Last evaluated 2022-09-23.

Conditions:
Multiple mitochondrial dysfunctions syndrome 6. Identifiers: Orphanet 569290, MedGen C4693741, MONDO:0054785, OMIM 617954.

Allele frequency attached by ClinVar (database versions not stated): gnomAD 0.00005; TOPMed 0.00006; gnomAD exomes 0.00005; 1000 Genomes Project 0.00020; ESP Exome Variant Server 0.00008; ExAC 0.00009; 1000 Genomes Project 30x 0.00016.
gnomAD v4.1: 66 of 1,613,814 alleles (0.0041%); highest among the groups gnomAD compares: African/African-American, 0.0067%; no homozygotes.

Submissions (3):

Institute of Human Genetics Munich, TUM University Hospital
Classification: Pathogenic for Multiple mitochondrial dysfunctions syndrome 6. Last evaluated: 2022-09-23. Review status: criteria provided, single submitter. Criteria: Classification criteria August 2017. Collection method: clinical testing. Allele origin: germline. Inheritance: Autosomal recessive inheritance. Affected: yes. Observed: 1 variant allele.

OMIM
Classification: Pathogenic for MULTIPLE MITOCHONDRIAL DYSFUNCTIONS SYNDROME 6. Last evaluated: 2018-05-03. Review status: no assertion criteria provided. Collection method: literature only. Allele origin: germline. Not counted in ClinVar's aggregate classification.

Hong-Tao Li Lab, Institute of Brain Science and Brain-inspired Research, Shandong First Medical University & Shandong Academy of Medical Sciences China
Classification: Uncertain significance for Multiple mitochondrial dysfunctions syndrome 6. Review status: no assertion criteria provided. Collection method: research. Allele origin: germline. Inheritance: Autosomal recessive inheritance. Affected: yes. Observed: 1 variant allele, 1 homozygote. Not counted in ClinVar's aggregate classification.
Comment: Observed in affected individuals from a Pakistani neurodevelopmental-disorder research cohort of 263 individuals. Classification assigned using the ACMG/AMP framework. Population-frequency evidence: gnomAD AF 4.952e-05.

Literature cited by the submitters: PubMed 29576218 (cited by OMIM).